The following is an entry in ClinVar:

NM_002860.4(ALDH18A1):c.2177G>A (p.Arg726His)

Gene: ALDH18A1 (aldehyde dehydrogenase 18 family member A1; minus strand). Cytogenetic location: 10q24.1.
Variant type: single nucleotide variant.
Coding change: c.2177G>A on transcript NM_002860.4 (MANE Select); coding-DNA position 2177, G replaced by A.
Protein change: p.Arg726His; replaces arginine 726 with histidine.
Molecular consequence: missense variant.
Genome position (GRCh38, 1-based): chr10:95,610,226, C>T on the plus strand (G>A on the coding strand, the complement: ALDH18A1 is on the minus strand). VCF-style: chr10-95610226-C-T. GRCh37 (hg19) VCF-style: chr10-97369983-C-T.
Other names: c.2171G>A, p.Arg724His (NM_001017423.2, NM_001323415.2); c.1844G>A, p.Arg615His (NM_001323412.2, NM_001323416.2); c.2177G>A, p.Arg726His (NM_001323413.2, NM_001323414.2); c.2072G>A, p.Arg691His (NM_001323417.2); c.1838G>A, p.Arg613His (NM_001323418.2); c.1541G>A, p.Arg514His (NM_001323419.2); short protein forms R514H, R613H, R615H, R691H, R724H, R726H.
Identifiers: ClinVar variation 689652 (VCV000689652.45), dbSNP rs773714478, ClinGen allele CA5620121.

ClinVar aggregate classification (germline): Conflicting classifications of pathogenicity. Review status: criteria provided, conflicting classifications (1 of 4 stars). 12 submissions from 12 submitters: Likely pathogenic (3); Uncertain significance (9). Last evaluated 2025-11-13.

Conditions:
ALDH18A1-related de Barsy syndrome. Also called: DE BARSY SYNDROME A; Cutis laxa, autosomal recessive IIIA. Identifiers: Orphanet 2962, Orphanet 35664, MedGen C5234852, MONDO:0009053, OMIM 219150.
ALDH18A1-related disorder. Also called: ALDH18A1-related disorders.
Inborn genetic diseases. Identifiers: MedGen C0950123, MeSH D030342.
Autosomal recessive complex spastic paraplegia type 9B. Also called: Spastic paraplegia 9b, autosomal recessive. Identifiers: Orphanet 447760, MedGen C5568980, MONDO:0014702, OMIM 616586.
Cutis laxa, autosomal dominant 3 (ADCL3). Identifiers: Orphanet 90348, MedGen C4225268, MONDO:0014706, OMIM 616603.
Autosomal dominant spastic paraplegia type 9. Identifiers: MedGen C1832669, MONDO:0015091.
de Barsy syndrome. Also called: Cutis laxa-corneal clouding-oligophrenia syndrome. Identifiers: Orphanet 2962, MedGen C0268354, MONDO:0017569.
Spondyloepiphyseal dysplasia, Stanescu type. Also called: SED, STANESCU TYPE; SPONDYLOEPIMETAPHYSEAL DYSPLASIA, STANESCU TYPE. Identifiers: Orphanet 459051, MedGen C4225273, MONDO:0014701, OMIM 616583.

Allele frequency attached by ClinVar (database versions not stated): ExAC 0.00002; gnomAD exomes 0.00002; TOPMed 0.00003; gnomAD 0.00004 and 0.00003.
gnomAD v4.1: 33 of 1,613,908 alleles (0.002%); highest among the groups gnomAD compares: Non-Finnish European, 0.0025%; no homozygotes.

Submissions (12):

PreventionGenetics, part of Exact Sciences
Classification: Uncertain significance for ALDH18A1-related condition. Last evaluated: 2025-11-13. Review status: criteria provided, single submitter. Criteria: ACMG Guidelines, 2015. Collection method: clinical testing. Allele origin: germline.
Comment: The ALDH18A1 c.2177G>A variant is predicted to result in the amino acid substitution p.Arg726His. This variant was reported in the compound heterozygous state along with a nonsense variant in an individual with unspecific congenital malformations (Table S2, Klee et al. 2020. PubMed ID: 33144682). Although we suspect that this variant may be pathogenic, at this time, the clinical significance of this variant is uncertain due to the absence of conclusive functional and genetic evidence.

Labcorp Genetics (formerly Invitae), Labcorp
Classification: Uncertain significance for Autosomal dominant spastic paraplegia type 9; de Barsy syndrome; Cutis laxa, autosomal dominant 3. Last evaluated: 2025-07-14. Review status: criteria provided, single submitter. Criteria: Invitae Variant Classification Sherloc (09022015). Collection method: clinical testing. Allele origin: germline.
Comment: This sequence change replaces arginine, which is basic and polar, with histidine, which is basic and polar, at codon 726 of the ALDH18A1 protein (p.Arg726His). This variant is present in population databases (rs773714478, gnomAD 0.005%). This missense change has been observed in individual(s) with clinical features of autosomal recessive hereditary spastic paraplegia (internal data). ClinVar contains an entry for this variant (Variation ID: 689652). Invitae Evidence Modeling of protein sequence and biophysical properties (such as structural, functional, and spatial information, amino acid conservation, physicochemical variation, residue mobility, and thermodynamic stability) indicates that this missense variant is expected to disrupt ALDH18A1 protein function with a positive predictive value of 95%. In summary, the available evidence is currently insufficient to determine the role of this variant in disease. Therefore, it has been classified as a Variant of Uncertain Significance.

Clinical Genetics Laboratory, University Hospital Schleswig-Holstein
Classification: Likely pathogenic for ALDH18A1-related de Barsy syndrome. Last evaluated: 2025-02-13. Review status: criteria provided, single submitter. Criteria: ACMG Guidelines, 2015. Collection method: clinical testing. Allele origin: maternal. Affected: yes. Observed: 1 compound heterozygote.
Comment: ACMG criteria applied: PM2, PP3, PP4, PM3_ Strong

Ambry Genetics
Classification: Uncertain significance for Inborn genetic diseases. Last evaluated: 2024-09-12. Review status: criteria provided, single submitter. Criteria: Ambry Variant Classification Scheme 2023. Collection method: clinical testing. Allele origin: germline.
Comment: The c.2177G>A (p.R726H) alteration is located in exon 17 (coding exon 16) of the ALDH18A1 gene. This alteration results from a G to A substitution at nucleotide position 2177, causing the arginine (R) at amino acid position 726 to be replaced by a histidine (H). Based on data from gnomAD, the A allele has an overall frequency of 0.003% (7/282698) total alleles studied. The highest observed frequency was 0.005% (1/19942) of East Asian alleles. This variant has been identified in conjunction with another ALDH18A1 variant in individuals with features consistent with autosomal recessive P5CS deficiency and segregated with disease in at least one family (Smigiel, 2017). This amino acid position is highly conserved in available vertebrate species. This alteration is predicted to be deleterious by in silico analysis. Based on insufficient or conflicting evidence, the clinical significance of this alteration remains unclear.

Blueprint Genetics
Classification: Uncertain significance. Last evaluated: 2024-08-20. Review status: criteria provided, single submitter. Criteria: ACMG Guidelines, 2015. Collection method: clinical testing. Allele origin: germline.

Revvity Omics, Revvity
Classification: Uncertain significance. Last evaluated: 2024-08-19. Review status: criteria provided, single submitter. Criteria: ACMG Guidelines, 2015. Collection method: clinical testing. Allele origin: germline.

Institute of Human Genetics, University of Leipzig Medical Center
Classification: Likely pathogenic for Autosomal recessive complex spastic paraplegia type 9B. Last evaluated: 2024-03-04. Review status: criteria provided, single submitter. Criteria: ACMG Guidelines, 2015. Collection method: clinical testing. Allele origin: unknown. Inheritance: X-linked recessive inheritance. Affected: yes.
Comment: Criteria applied: PM3,PM5,PM2_SUP,PP3

3billion
Classification: Uncertain significance for Autosomal recessive complex spastic paraplegia type 9B. Last evaluated: 2023-10-12. Review status: criteria provided, single submitter. Criteria: ACMG Guidelines, 2015. Collection method: clinical testing. Allele origin: germline. Affected: yes.
Comment: The variant is observed at an extremely low frequency in the gnomAD v2.1.1 dataset (total allele frequency: 0.002%). Predicted Consequence/Location: Missense variant In silico tool predictions suggest damaging effect of the variant on gene or gene product [REVEL: 0.89 (>=0.6, sensitivity 0.68 and specificity 0.92); 3Cnet: 0.98 (>=0.6, sensitivity 0.72 and precision 0.9)]. A different missense change at the same codon (p.Arg726Cys) has been reported to be associated with ALDH18A1 related disorder (PMID: 33144682). However the evidence of pathogenicity is insufficient at this time. Therefore, this variant is classified as VUS according to the recommendation of ACMG/AMP guideline.

CeGaT Center for Human Genetics Tuebingen
Classification: Uncertain significance. Last evaluated: 2022-04-01. Review status: criteria provided, single submitter. Criteria: CeGaT Center For Human Genetics Tuebingen Variant Classification Criteria Version 2. Collection method: clinical testing. Allele origin: germline. Affected: yes. Observed: 1 variant allele.

GeneDx
Classification: Uncertain significance. Last evaluated: 2022-02-11. Review status: criteria provided, single submitter. Criteria: GeneDx Variant Classification Process June 2021. Collection method: clinical testing. Allele origin: germline. Affected: yes.
Comment: In silico analysis supports that this missense variant has a deleterious effect on protein structure/function; Reported previously in trans with another ALDH18A1 variant in siblings with De Barsy syndrome (Smigiel et al., 2017); This variant is associated with the following publications: (PMID: Smigiel2017[Review])

HudsonAlpha Institute for Biotechnology
Classification: Uncertain significance for Spondyloepiphyseal dysplasia, Stanescu type. Last evaluated: 2018-04-17. Review status: criteria provided, single submitter. Criteria: ACMG Guidelines, 2015. Collection method: research. Allele origin: unknown. Observed: 1 variant allele. Study: HudsonAlpha-PGEN.

Juno Genomics, Hangzhou Juno Genomics, Inc
Classification: Likely pathogenic for ALDH18A1-related de Barsy syndrome. Review status: criteria provided, single submitter. Criteria: ACMG Guidelines, 2015. Collection method: clinical testing. Allele origin: germline.
Comment: Absent from controls (or at extremely low frequency if recessive) in Genome Aggregation Database.;Multiple lines of computational evidence support a deleterious effect on the gene or gene product.;For recessive disorders, detected in trans with a pathogenic variant.;Patient's phenotype or family history is highly specific for a disease with a single genetic etiology.

Literature cited by the submitters: PubMed 32017139 (cited by Clinical Genetics Laboratory, University Hospital Schleswig-Holstein); PubMed 33144682 (cited by 3billion).